The following is an entry in ClinVar:

NM_001080517.3(SETD5):c.3229G>T (p.Glu1077Ter)

Gene: SETD5 (SET domain containing 5; plus strand). Cytogenetic location: 3p25.3.
Variant type: single nucleotide variant.
Coding change: c.3229G>T on transcript NM_001080517.3 (MANE Select); coding-DNA position 3229, G replaced by T.
Protein change: p.Glu1077Ter; replaces glutamic acid 1077 with a stop codon.
Molecular consequence: nonsense.
Genome position (GRCh38, 1-based): chr3:9,473,269, G>T. VCF-style: chr3-9473269-G-T. GRCh37 (hg19) VCF-style: chr3-9514953-G-T.
Other names: c.2935G>T, p.Glu979Ter (NM_001292043.2, NM_001349451.2); short protein forms E1077*, E979*.
Identifiers: ClinVar variation 3901158 (VCV003901158.2).

ClinVar aggregate classification (germline): Pathogenic (1 of 4 stars; one submission).

Conditions:
Intellectual disability-facial dysmorphism syndrome due to SETD5 haploinsufficiency (MRD23). Also called: Intellectual developmental disorder, autosomal dominant 23. Identifiers: Orphanet 404440, MedGen C3810406, MONDO:0014336, OMIM 615761.

Submission:

Institute of Human Genetics, University of Leipzig Medical Center
Classification: Pathogenic for Intellectual disability-facial dysmorphism syndrome due to SETD5 haploinsufficiency. Last evaluated: 2025-06-06. Review status: criteria provided, single submitter. Criteria: ACMG Guidelines, 2015. Collection method: clinical testing. Allele origin: de novo. Inheritance: Autosomal dominant inheritance. Affected: yes.
Comment: Criteria applied: PVS1,PM2,PS2_MOD